The following is an entry in ClinVar:

NM_001792.5(CDH2):c.1588C>A (p.Gln530Lys)

Gene: CDH2 (cadherin 2; minus strand). Cytogenetic location: 18q12.1.
Variant type: single nucleotide variant.
Coding change: c.1588C>A on transcript NM_001792.5 (MANE Select); coding-DNA position 1588, C replaced by A.
Protein change: p.Gln530Lys; replaces glutamine 530 with lysine.
Molecular consequence: missense variant.
Genome position (GRCh38, 1-based): chr18:27,990,107, G>T on the plus strand (C>A on the coding strand, the complement: CDH2 is on the minus strand). VCF-style: chr18-27990107-G-T. GRCh37 (hg19) VCF-style: chr18-25570071-G-T.
Other names: c.1495C>A, p.Gln499Lys (NM_001308176.2); short protein forms Q499K, Q530K.
Identifiers: ClinVar variation 3830105 (VCV003830105.1).

ClinVar aggregate classification (germline): Uncertain significance (1 of 4 stars; one submission).

Conditions:
Inborn genetic diseases. Identifiers: MedGen C0950123, MeSH D030342.

Submission:

Ambry Genetics
Classification: Uncertain significance for Inborn genetic diseases. Last evaluated: 2025-03-09. Review status: criteria provided, single submitter. Criteria: Ambry Variant Classification Scheme 2023. Collection method: clinical testing. Allele origin: germline.
Comment: The p.Q530K variant (also known as c.1588C>A), located in coding exon 10 of the CDH2 gene, results from a C to A substitution at nucleotide position 1588. The glutamine at codon 530 is replaced by lysine, an amino acid with similar properties. This amino acid position is conserved. In addition, the in silico prediction for this alteration is inconclusive. Based on the available evidence, the clinical significance of this variant remains unclear.